The following is an entry in ClinVar:

NM_014946.4(SPAST):c.1504A>G (p.Lys502Glu)

Gene: SPAST (spastin; plus strand). Cytogenetic location: 2p22.3.
Variant type: single nucleotide variant.
Coding change: c.1504A>G on transcript NM_014946.4 (MANE Select); coding-DNA position 1504, A replaced by G.
Protein change: p.Lys502Glu; replaces lysine 502 with glutamic acid.
Molecular consequence: missense variant.
Genome position (GRCh38, 1-based): chr2:32,141,914, A>G. VCF-style: chr2-32141914-A-G. GRCh37 (hg19) VCF-style: chr2-32366983-A-G.
Other names: c.1501A>G, p.Lys501Glu (NM_001363823.2); c.1405A>G, p.Lys469Glu (NM_001363875.2); c.1408A>G, p.Lys470Glu (NM_001377959.1, NM_199436.2); short protein forms K469E, K470E, K501E, K502E.
Identifiers: ClinVar variation 2084710 (VCV002084710.4), dbSNP rs1553319082, ClinGen allele CA346502853.

ClinVar aggregate classification (germline): Uncertain significance (1 of 4 stars; one submission).

Conditions:
Hereditary spastic paraplegia 4. Also called: Spastic paraplegia 4, autosomal dominant; Spastic Paraplegia 4; Familial spastic paraplegia autosomal dominant 2. Identifiers: Orphanet 100985, MedGen C1866855, MONDO:0008438, OMIM 182601.

Submission:

Labcorp Genetics (formerly Invitae), Labcorp
Classification: Uncertain significance for Hereditary spastic paraplegia 4. Last evaluated: 2022-01-16. Review status: criteria provided, single submitter. Criteria: Invitae Variant Classification Sherloc (09022015). Collection method: clinical testing. Allele origin: germline.
Comment: This sequence change replaces lysine, which is basic and polar, with glutamic acid, which is acidic and polar, at codon 502 of the SPAST protein (p.Lys502Glu). This variant is not present in population databases (gnomAD no frequency). This variant has not been reported in the literature in individuals affected with SPAST-related conditions. Advanced modeling of protein sequence and biophysical properties (such as structural, functional, and spatial information, amino acid conservation, physicochemical variation, residue mobility, and thermodynamic stability) performed at Invitae indicates that this missense variant is expected to disrupt SPAST protein function. In summary, the available evidence is currently insufficient to determine the role of this variant in disease. Therefore, it has been classified as a Variant of Uncertain Significance.